The following is an entry in ClinVar:

ClinVar aggregate classification (germline): Uncertain significance (1 of 4 stars; one submission).

Submission:

Greenwood Genetic Center Diagnostic Laboratories, Greenwood Genetic Center
Classification: Uncertain significance. Last evaluated: 2025-02-25. Review status: criteria provided, single submitter. Criteria: ACMG Guidelines, 2015. Collection method: clinical testing. Allele origin: germline.
Comment: PM2, PP2, PP3

NM_001197104.2(KMT2A):c.7950C>A (p.Phe2650Leu)

Gene: KMT2A (lysine methyltransferase 2A; plus strand). Cytogenetic location: 11q23.3.
Variant type: single nucleotide variant.
Coding change: c.7950C>A on transcript NM_001197104.2 (MANE Select); coding-DNA position 7950, C replaced by A.
Protein change: p.Phe2650Leu; replaces phenylalanine 2650 with leucine.
Molecular consequence: missense variant.
Genome position (GRCh38, 1-based): chr11:118,503,842, C>A. VCF-style: chr11-118503842-C-A. GRCh37 (hg19) VCF-style: chr11-118374557-C-A.
Other names: c.8040C>A, p.Phe2680Leu (NM_001412597.1); c.7941C>A, p.Phe2647Leu (NM_005933.4); short protein forms F2647L, F2650L, F2680L.
Identifiers: ClinVar variation 4851690 (VCV004851690.1).